The following is an entry in ClinVar:

NM_025136.4(OPA3):c.265A>G (p.Ile89Val)

Genes: OPA3 (outer mitochondrial membrane lipid metabolism regulator OPA3; minus strand), OPA3-RTN2 (OPA3-RTN2 readthrough; minus strand). Cytogenetic location: 19q13.32.
Variant type: single nucleotide variant.
Coding change: c.265A>G on transcript NM_025136.4 (MANE Select); coding-DNA position 265, A replaced by G.
Protein change: p.Ile89Val; replaces isoleucine 89 with valine.
Molecular consequence: missense variant. On other transcripts: intron variant (1).
Genome position (GRCh38, 1-based): chr19:45,553,789, T>C on the plus strand (A>G on the coding strand, the complement: OPA3 is on the minus strand). VCF-style: chr19-45553789-T-C. GRCh37 (hg19) VCF-style: chr19-46057047-T-C.
Other names: c.143-24333A>G (NM_001017989.3); short protein forms I89V.
Identifiers: ClinVar variation 1944898 (VCV001944898.6), dbSNP rs2513824366, ClinGen allele CA406371025.
Genomic context (GRCh38, chr19:45,553,789, plus strand): 5'-GCTGCTGCGCCTGGTGGCGCCAGTACTCCAGCACTAGGCAGCCGCCGCCCACGATGAAGA[T>C]GGTGGCTTCGCCCAGCAGCTCTGCGCCCAGCTCAGCTGCCGCCTCCTCGTTCAGCGGCTT-3'
Protein context (NP_079412.1, residues 79-99): LGAELLGEAT[Ile89Val]FIVGGGCLVL

ClinVar aggregate classification (germline): Uncertain significance. Review status: criteria provided, multiple submitters, no conflicts (2 of 4 stars). 2 submissions from 2 submitters: Uncertain significance (2). Last evaluated 2023-08-29.

Conditions:
Optic atrophy 3 (OPA3). Also called: Optic atrophy, cataract, and neurologic disorder; OPTIC ATROPHY 3, AUTOSOMAL DOMINANT; Optic atrophy 3 with cataract. Identifiers: Orphanet 67036, MedGen C1833809, MONDO:0008133, OMIM 165300.
3-Methylglutaconic aciduria type 3 (MGCA3). Also called: OPA3, AUTOSOMAL RECESSIVE; OPTIC ATROPHY 3, AUTOSOMAL RECESSIVE; OPA3-Related 3-Methylglutaconic Aciduria; Costeff Syndrome. Identifiers: Orphanet 67047, MedGen C0574084, MONDO:0009787, OMIM 258501.

Allele frequency attached by ClinVar (database versions not stated): gnomAD exomes below 0.00001.
gnomAD v4.1: 1 of 1,613,298 alleles (0.000062%); no homozygotes.

Submissions (2):

Clinical Genetics Laboratory, Skane University Hospital Lund
Classification: Uncertain significance. Last evaluated: 2023-08-29. Review status: criteria provided, single submitter. Criteria: ACMG Guidelines, 2015. Collection method: clinical testing. Allele origin: germline. Affected: yes.

Labcorp Genetics (formerly Invitae), Labcorp
Classification: Uncertain significance for 3-Methylglutaconic aciduria type 3; Optic atrophy 3. Last evaluated: 2023-03-14. Review status: criteria provided, single submitter. Criteria: Invitae Variant Classification Sherloc (09022015). Collection method: clinical testing. Allele origin: germline.
Comment: This variant has not been reported in the literature in individuals affected with OPA3-related conditions. This sequence change replaces isoleucine, which is neutral and non-polar, with valine, which is neutral and non-polar, at codon 89 of the OPA3 protein (p.Ile89Val). This variant is not present in population databases (gnomAD no frequency). ClinVar contains an entry for this variant (Variation ID: 1944898). An algorithm developed to predict the effect of missense changes on protein structure and function (PolyPhen-2) suggests that this variant is likely to be tolerated. In summary, the available evidence is currently insufficient to determine the role of this variant in disease. Therefore, it has been classified as a Variant of Uncertain Significance.